The following is an entry in ClinVar:

ClinVar aggregate classification (germline): Uncertain significance. Review status: criteria provided, multiple submitters, no conflicts (2 of 4 stars). 4 submissions from 4 submitters: Uncertain significance (4). Last evaluated 2026-01-27.

Conditions:
Progressive sclerosing poliodystrophy (MTDPS4A). Also called: Alpers-Huttenlocher Syndrome (AHS); NEURONAL DEGENERATION OF CHILDHOOD WITH LIVER DISEASE, PROGRESSIVE; ALPERS DIFFUSE DEGENERATION OF CEREBRAL GRAY MATTER WITH HEPATIC CIRRHOSIS; Alpers-Huttenlocher Syndrome; Mitochondrial DNA Depletion Syndrome 4A; Alpers Syndrome. Identifiers: Orphanet 726, MedGen C0205710, MONDO:0008758, OMIM 203700.
Inborn genetic diseases. Identifiers: MedGen C0950123, MeSH D030342.

Allele frequency attached by ClinVar (database versions not stated): gnomAD 0.00001 and 0.00002; TOPMed 0.00001; gnomAD exomes 0.00002.
gnomAD v4.1: 32 of 1,614,088 alleles (0.002%); highest among the groups gnomAD compares: South Asian, 0.013%; no homozygotes.

Submissions (4):

Labcorp Genetics (formerly Invitae), Labcorp
Classification: Uncertain significance for Progressive sclerosing poliodystrophy. Last evaluated: 2026-01-27. Review status: criteria provided, single submitter. Criteria: Invitae Variant Classification Sherloc (09022015). Collection method: clinical testing. Allele origin: germline.
Comment: This sequence change replaces serine, which is neutral and polar, with leucine, which is neutral and non-polar, at codon 1086 of the POLG protein (p.Ser1086Leu). This variant is present in population databases (rs373316463, gnomAD 0.01%). This variant has not been reported in the literature in individuals affected with POLG-related conditions. ClinVar contains an entry for this variant (Variation ID: 805229). Invitae Evidence Modeling of protein sequence and biophysical properties (such as structural, functional, and spatial information, amino acid conservation, physicochemical variation, residue mobility, and thermodynamic stability) indicates that this missense variant is not expected to disrupt POLG protein function with a negative predictive value of 95%. In summary, the available evidence is currently insufficient to determine the role of this variant in disease. Therefore, it has been classified as a Variant of Uncertain Significance.

CeGaT Center for Human Genetics Tuebingen
Classification: Uncertain significance. Last evaluated: 2025-09-01. Review status: criteria provided, single submitter. Criteria: CeGaT Center For Human Genetics Tuebingen Variant Classification Criteria Version 2. Collection method: clinical testing. Allele origin: germline. Affected: yes. Observed: 1 variant allele.
Comment: POLG: PM2

Ambry Genetics
Classification: Uncertain significance for Inborn genetic diseases. Last evaluated: 2024-12-31. Review status: criteria provided, single submitter. Criteria: Ambry Variant Classification Scheme 2023. Collection method: clinical testing. Allele origin: germline.

Athena Diagnostics
Classification: Uncertain significance. Last evaluated: 2019-07-23. Review status: criteria provided, single submitter. Criteria: Athena Diagnostics Criteria. Collection method: clinical testing. Allele origin: germline.

Literature cited by the submitters: PubMed 27987238 (cited by Athena Diagnostics); PubMed 25412673 (cited by Athena Diagnostics).

NM_002693.3(POLG):c.3257C>T (p.Ser1086Leu)

Gene: POLG (DNA polymerase gamma, catalytic subunit; minus strand). Cytogenetic location: 15q26.1.
Variant type: single nucleotide variant.
Coding change: c.3257C>T on transcript NM_002693.3 (MANE Select); coding-DNA position 3257, C replaced by T.
Protein change: p.Ser1086Leu; replaces serine 1086 with leucine.
Molecular consequence: missense variant.
Genome position (GRCh38, 1-based): chr15:89,318,947, G>A on the plus strand (C>T on the coding strand, the complement: POLG is on the minus strand). VCF-style: chr15-89318947-G-A. GRCh37 (hg19) VCF-style: chr15-89862178-G-A.
Other names: c.3257C>T, p.Ser1086Leu (NM_001126131.2); short protein forms S1086L.
Identifiers: ClinVar variation 805229 (VCV000805229.15), dbSNP rs373316463, ClinGen allele CA7724197.